The following is an entry in ClinVar:

NM_001378964.1(CDON):c.1981G>A (p.Ala661Thr)

Gene: CDON (cell adhesion associated, oncogene regulated; minus strand). Cytogenetic location: 11q24.2.
Variant type: single nucleotide variant.
Coding change: c.1981G>A on transcript NM_001378964.1 (MANE Select); coding-DNA position 1981, G replaced by A.
Protein change: p.Ala661Thr; replaces alanine 661 with threonine.
Molecular consequence: missense variant.
Genome position (GRCh38, 1-based): chr11:126,003,947, C>T on the plus strand (G>A on the coding strand, the complement: CDON is on the minus strand). VCF-style: chr11-126003947-C-T. GRCh37 (hg19) VCF-style: chr11-125873842-C-T.
Other names: c.1981G>A, p.Ala661Thr (NM_001243597.3, NM_001441161.1, NM_001441162.1 and 5 more transcripts); short protein forms A661T.
Identifiers: ClinVar variation 4752148 (VCV004752148.1).

ClinVar aggregate classification (germline): Uncertain significance (1 of 4 stars; one submission).

Conditions:
Holoprosencephaly 11 (HPE11). Identifiers: Orphanet 2162, MedGen C3280215, MONDO:0013642, OMIM 614226.

gnomAD v4.1: 2 of 1,614,158 alleles (0.00012%); highest among the groups gnomAD compares: Admixed American, 0.0033%; no homozygotes.

Submission:

Labcorp Genetics (formerly Invitae), Labcorp
Classification: Uncertain significance for Holoprosencephaly 11. Last evaluated: 2025-06-08. Review status: criteria provided, single submitter. Criteria: Invitae Variant Classification Sherloc (09022015). Collection method: clinical testing. Allele origin: germline.
Comment: This sequence change replaces alanine, which is neutral and non-polar, with threonine, which is neutral and polar, at codon 661 of the CDON protein (p.Ala661Thr). This variant is present in population databases (rs769923805, gnomAD 0.006%). This variant has not been reported in the literature in individuals affected with CDON-related conditions. Invitae Evidence Modeling of protein sequence and biophysical properties (such as structural, functional, and spatial information, amino acid conservation, physicochemical variation, residue mobility, and thermodynamic stability) indicates that this missense variant is not expected to disrupt CDON protein function with a negative predictive value of 80%. In summary, the available evidence is currently insufficient to determine the role of this variant in disease. Therefore, it has been classified as a Variant of Uncertain Significance.